The following is an entry in ClinVar:

ClinVar aggregate classification (germline): Conflicting classifications of pathogenicity. Review status: criteria provided, conflicting classifications (1 of 4 stars). 6 submissions from 6 submitters: Uncertain significance (4); Likely benign (2). Last evaluated 2026-02-04.

Conditions:
LRBA-related disorder. Also called: LRBA-related condition.
Combined immunodeficiency due to LRBA deficiency. Also called: Common variable immunodeficiency 8, with autoimmunity. Identifiers: Orphanet 445018, MedGen C3553512, MONDO:0013863, OMIM 614700.

Allele frequency attached by ClinVar (database versions not stated): 1000 Genomes Project 30x 0.00016; 1000 Genomes Project 0.00020; TOPMed 0.00068; ExAC 0.00069; gnomAD 0.00070 and 0.00076; ESP Exome Variant Server 0.00085.
gnomAD v4.1: 1,473 of 1,613,246 alleles (0.091%); highest among the groups gnomAD compares: Admixed American, 0.23%; no homozygotes.

Submissions (6):

Labcorp Genetics (formerly Invitae), Labcorp
Classification: Likely benign for Combined immunodeficiency due to LRBA deficiency. Last evaluated: 2026-02-04. Review status: criteria provided, single submitter. Criteria: Invitae Variant Classification Sherloc (09022015). Collection method: clinical testing. Allele origin: germline.

PreventionGenetics, part of Exact Sciences
Classification: Uncertain significance for LRBA-related condition. Last evaluated: 2025-12-03. Review status: criteria provided, single submitter. Criteria: ACMG Guidelines, 2015. Collection method: clinical testing. Allele origin: germline.
Comment: The LRBA c.787C>G variant is predicted to result in the amino acid substitution p.Leu263Val. This variant was reported in an individual with multifocal choroiditis (MFC) (Supplemental Table S2, Li et al. 2020. PubMed ID: 32707200). This variant is reported in 0.24% of alleles in individuals of Latino descent in gnomAD. At this time, the clinical significance of this variant is uncertain due to the absence of conclusive functional and genetic evidence.

Mayo Clinic Laboratories, Mayo Clinic
Classification: Likely benign. Last evaluated: 2025-04-23. Review status: criteria provided, single submitter. Criteria: ACMG Guidelines, 2015. Collection method: clinical testing. Allele origin: germline. Observed: 3 variant alleles.
Comment: BS1, BP4

Blueprint Genetics
Classification: Uncertain significance. Last evaluated: 2024-11-21. Review status: criteria provided, single submitter. Criteria: ACMG Guidelines, 2015. Collection method: clinical testing. Allele origin: germline.

GeneDx
Classification: Uncertain significance. Last evaluated: 2018-06-06. Review status: criteria provided, single submitter. Criteria: GeneDx Variant Classification (06012015). Collection method: clinical testing. Allele origin: germline. Affected: yes.
Comment: The L263V variant in the LRBA gene has not been reported previously as a pathogenic variant, nor as a benign variant, to our knowledge. The L263V variant is observed in 80/34,312 (0.2%) alleles from individuals of Latino background in large population cohorts (Lek et al., 2016). The L263V variant is a conservative amino acid substitution, which is not likely to impact secondary protein structure as these residues share similar properties. In-silico analyses, including protein predictors and evolutionary conservation, support that this variant does not alter protein structure/function. We interpret L263V as a variant of uncertain significance.

Eurofins Ntd Llc (ga)
Classification: Uncertain significance. Last evaluated: 2015-04-24. Review status: criteria provided, single submitter. Criteria: EGL Classification Definitions 2015. Collection method: clinical testing. Allele origin: germline. Observed: 1 variant allele, 1 heterozygote.

Literature cited by the submitters: PubMed 32707200 (cited by Mayo Clinic Laboratories, Mayo Clinic).

NM_001364905.1(LRBA):c.787C>G (p.Leu263Val)

Gene: LRBA (LPS responsive beige-like anchor protein; minus strand). Cytogenetic location: 4q31.3.
Variant type: single nucleotide variant.
Coding change: c.787C>G on transcript NM_001364905.1 (MANE Select); coding-DNA position 787, C replaced by G.
Protein change: p.Leu263Val; replaces leucine 263 with valine.
Molecular consequence: missense variant.
Genome position (GRCh38, 1-based): chr4:150,916,508, G>C on the plus strand (C>G on the coding strand, the complement: LRBA is on the minus strand). VCF-style: chr4-150916508-G-C. GRCh37 (hg19) VCF-style: chr4-151837660-G-C.
Other names: p.Leu263Val; c.787C>G, p.Leu263Val (NM_001199282.3, NM_001367550.1, NM_006726.5); short protein forms L263V.
Identifiers: ClinVar variation 198546 (VCV000198546.20), dbSNP rs143625481, ClinGen allele CA247255.